The following is an entry in ClinVar:

ClinVar aggregate classification (germline): Uncertain significance (1 of 4 stars; one submission).

Conditions:
Candidiasis, familial, 9 (CANDF9). Identifiers: Orphanet 1334, MedGen C4225324, MONDO:0014642, OMIM 616445.

Submission:

Labcorp Genetics (formerly Invitae), Labcorp
Classification: Uncertain significance for Candidiasis, familial, 9. Last evaluated: 2024-10-22. Review status: criteria provided, single submitter. Criteria: Invitae Variant Classification Sherloc (09022015). Collection method: clinical testing. Allele origin: germline.
Comment: This sequence change replaces threonine, which is neutral and polar, with lysine, which is basic and polar, at codon 497 of the IL17RC protein (p.Thr497Lys). This variant is not present in population databases (gnomAD no frequency). This variant has not been reported in the literature in individuals affected with IL17RC-related conditions. ClinVar contains an entry for this variant (Variation ID: 2058762). An algorithm developed to predict the effect of missense changes on protein structure and function (PolyPhen-2) suggests that this variant is likely to be disruptive. In summary, the available evidence is currently insufficient to determine the role of this variant in disease. Therefore, it has been classified as a Variant of Uncertain Significance.

NM_153460.4(IL17RC):c.1277C>A (p.Thr426Lys)

Gene: IL17RC (interleukin 17 receptor C; plus strand). Cytogenetic location: 3p25.3.
Variant type: single nucleotide variant.
Coding change: c.1277C>A on transcript NM_153460.4 (MANE Select); coding-DNA position 1277, C replaced by A.
Protein change: p.Thr426Lys; replaces threonine 426 with lysine.
Molecular consequence: missense variant. On other transcripts: non-coding transcript variant (1).
Genome position (GRCh38, 1-based): chr3:9,930,148, C>A. VCF-style: chr3-9930148-C-A. GRCh37 (hg19) VCF-style: chr3-9971832-C-A.
Other names: c.1277C>A, p.Thr426Lys (NM_001203263.2); c.1226C>A, p.Thr409Lys (NM_001203264.2); c.1181C>A, p.Thr394Lys (NM_001203265.2, NM_001410711.1); c.1238C>A, p.Thr413Lys (NM_001367278.1); c.1157C>A, p.Thr386Lys (NM_001367279.1); c.1232C>A, p.Thr411Lys (NM_001367280.1, NM_032732.6); c.1490C>A, p.Thr497Lys (NM_153461.4); short protein forms T409K, T411K, T386K, T426K, T413K, T497K, T394K.
Identifiers: ClinVar variation 2058762 (VCV002058762.4), dbSNP rs747269828, ClinGen allele CA351699795.